The following is an entry in ClinVar:

NM_032833.5(PPP1R15B):c.1712T>C (p.Phe571Ser)

Gene: PPP1R15B (protein phosphatase 1 regulatory subunit 15B; minus strand). Cytogenetic location: 1q32.1.
Variant type: single nucleotide variant.
Coding change: c.1712T>C on transcript NM_032833.5 (MANE Select); coding-DNA position 1712, T replaced by C.
Protein change: p.Phe571Ser; replaces phenylalanine 571 with serine.
Molecular consequence: missense variant.
Genome position (GRCh38, 1-based): chr1:204,409,700, A>G on the plus strand (T>C on the coding strand, the complement: PPP1R15B is on the minus strand). VCF-style: chr1-204409700-A-G. GRCh37 (hg19) VCF-style: chr1-204378828-A-G.
Other names: short protein forms F571S.
Identifiers: ClinVar variation 1997242 (VCV001997242.4), dbSNP rs1282299096, ClinGen allele CA344351712.

ClinVar aggregate classification (germline): Uncertain significance (1 of 4 stars; one submission).

Submission:

Labcorp Genetics (formerly Invitae), Labcorp
Classification: Uncertain significance. Last evaluated: 2022-05-21. Review status: criteria provided, single submitter. Criteria: Invitae Variant Classification Sherloc (09022015). Collection method: clinical testing. Allele origin: germline.
Comment: In summary, the available evidence is currently insufficient to determine the role of this variant in disease. Therefore, it has been classified as a Variant of Uncertain Significance. Algorithms developed to predict the effect of missense changes on protein structure and function are either unavailable or do not agree on the potential impact of this missense change (SIFT: "Deleterious"; PolyPhen-2: "Probably Damaging"; Align-GVGD: "Class C0"). This variant has not been reported in the literature in individuals affected with PPP1R15B-related conditions. This variant is not present in population databases (gnomAD no frequency). This sequence change replaces phenylalanine, which is neutral and non-polar, with serine, which is neutral and polar, at codon 571 of the PPP1R15B protein (p.Phe571Ser).